The following is an entry in ClinVar:

ClinVar aggregate classification (germline): Uncertain significance. Review status: criteria provided, multiple submitters, no conflicts (2 of 4 stars). 2 submissions from 2 submitters: Uncertain significance (2). Last evaluated 2024-08-06.

Conditions:
Hereditary cancer-predisposing syndrome. Also called: Hereditary neoplastic syndrome; Neoplastic Syndromes, Hereditary; Hereditary Cancer Syndrome; Tumor predisposition. Identifiers: Orphanet 140162, MedGen C0027672, MeSH D009386, MONDO:0015356.
Multiple endocrine neoplasia, type 1 (MEN1). Also called: MEN I; WERMER SYNDROME; Endocrine adenomatosis multiple; MEN 1; MEA I. Identifiers: Orphanet 652, MedGen C0025267, MeSH D018761, MONDO:0007540, OMIM 131100.

Submissions (2):

Ambry Genetics
Classification: Uncertain significance for Hereditary cancer-predisposing syndrome. Last evaluated: 2024-08-06. Review status: criteria provided, single submitter. Criteria: Ambry Variant Classification Scheme 2023. Collection method: clinical testing. Allele origin: germline.
Comment: The p.R131C variant (also known as c.391C>T), located in coding exon 1 of the MEN1 gene, results from a C to T substitution at nucleotide position 391. The arginine at codon 131 is replaced by cysteine, an amino acid with highly dissimilar properties. This amino acid position is highly conserved in available vertebrate species. In addition, this alteration is predicted to be deleterious by in silico analysis. Based on the available evidence, the clinical significance of this variant remains unclear.

Labcorp Genetics (formerly Invitae), Labcorp
Classification: Uncertain significance for Multiple endocrine neoplasia, type 1. Last evaluated: 2021-08-13. Review status: criteria provided, single submitter. Criteria: Invitae Variant Classification Sherloc (09022015). Collection method: clinical testing. Allele origin: germline.
Comment: Advanced modeling of protein sequence and biophysical properties (such as structural, functional, and spatial information, amino acid conservation, physicochemical variation, residue mobility, and thermodynamic stability) performed at Invitae indicates that this missense variant is expected to disrupt MEN1 protein function. This sequence change replaces arginine with cysteine at codon 131 of the MEN1 protein (p.Arg131Cys). The arginine residue is highly conserved and there is a large physicochemical difference between arginine and cysteine. This variant is not present in population databases (ExAC no frequency). This variant has not been reported in the literature in individuals affected with MEN1-related conditions. In summary, the available evidence is currently insufficient to determine the role of this variant in disease. Therefore, it has been classified as a Variant of Uncertain Significance.

NM_001370259.2(MEN1):c.391C>T (p.Arg131Cys)

Gene: MEN1 (menin 1; minus strand). Cytogenetic location: 11q13.1.
Variant type: single nucleotide variant.
Coding change: c.391C>T on transcript NM_001370259.2 (MANE Select); coding-DNA position 391, C replaced by T.
Protein change: p.Arg131Cys; replaces arginine 131 with cysteine.
Molecular consequence: missense variant.
Genome position (GRCh38, 1-based): chr11:64,809,719, G>A on the plus strand (C>T on the coding strand, the complement: MEN1 is on the minus strand). VCF-style: chr11-64809719-G-A. GRCh37 (hg19) VCF-style: chr11-64577191-G-A.
Other names: c.391C>T (NM_130799.2); c.391C>T, p.Arg131Cys (NM_000244.4, NM_001370251.2, NM_001370260.2 and 9 more transcripts); short protein forms R131C.
Identifiers: ClinVar variation 1415980 (VCV001415980.7), dbSNP rs2136180282, ClinGen allele CA381187257.
Genomic context (GRCh38, chr11:64,809,719, plus strand): 5'-TCCAACCTGTGATGAAGCTGAAGAGGGACTGGATGTGGGCCCGATCCTTGAAGTAGGAGC[G>A]GCTGAGGCTGTTCCATATGACATCGGAGACCTTCTTCACCAGCTCACGGCTGGAGACACC-3'
Protein context (NP_001357188.2, residues 121-141): VSDVIWNSLS[Arg131Cys]SYFKDRAHIQ